The following is an entry in ClinVar:

ClinVar aggregate classification (germline): Conflicting classifications of pathogenicity. Review status: criteria provided, conflicting classifications (1 of 4 stars). 2 submissions from 2 submitters: Pathogenic (1); Uncertain significance (1). Last evaluated 2025-12-27.

Conditions:
RASopathy. Also called: rasopathies; Noonan spectrum disorder. Identifiers: Orphanet 536391, MedGen C5555857, MONDO:0021060.

Allele frequency attached by ClinVar (database versions not stated): ExAC 0.00001.

Submissions (2):

Labcorp Genetics (formerly Invitae), Labcorp
Classification: Uncertain significance for RASopathy. Last evaluated: 2025-12-27. Review status: criteria provided, single submitter. Criteria: Invitae Variant Classification Sherloc (09022015). Collection method: clinical testing. Allele origin: germline.
Comment: This sequence change replaces cysteine, which is neutral and slightly polar, with arginine, which is basic and polar, at codon 381 of the CBL protein (p.Cys381Arg). This variant is not present in population databases (gnomAD no frequency). This missense change has been observed in individual(s) with CBL-related conditions (PMID: 36123612). ClinVar contains an entry for this variant (Variation ID: 405363). Invitae Evidence Modeling of protein sequence and biophysical properties (such as structural, functional, and spatial information, amino acid conservation, physicochemical variation, residue mobility, and thermodynamic stability) indicates that this missense variant is expected to disrupt CBL protein function with a positive predictive value of 95%. In summary, the available evidence is currently insufficient to determine the role of this variant in disease. Therefore, it has been classified as a Variant of Uncertain Significance.

GeneDx
Classification: Pathogenic. Last evaluated: 2024-01-26. Review status: criteria provided, single submitter. Criteria: GeneDx Variant Classification Process June 2021. Collection method: clinical testing. Allele origin: germline. Affected: yes.
Comment: Published functional studies demonstrate that this variant has a damaging effect on CBL protein function (PMID: 22591685); Previously reported in patients with juvenile myelomonocytic leukemia (JMML) and myeloproliferative neoplasms in either the homozygous or compound heterozygous state (PMID: 19571318, 23010802, 22591685); Not observed at significant frequency in large population cohorts (gnomAD); In silico analysis supports that this missense variant has a deleterious effect on protein structure/function; This variant is associated with the following publications: (PMID: 23010802, 36123612, 35159106, 19571318, 22591685, 20619386, 22315494)

Literature cited by the submitters: PubMed 36123612 (cited by Labcorp Genetics (formerly Invitae), Labcorp).

NM_005188.4(CBL):c.1141T>C (p.Cys381Arg)

Gene: CBL (Cbl proto-oncogene; plus strand). Cytogenetic location: 11q23.3.
Variant type: single nucleotide variant.
Coding change: c.1141T>C on transcript NM_005188.4 (MANE Select); coding-DNA position 1141, T replaced by C.
Protein change: p.Cys381Arg; replaces cysteine 381 with arginine.
Molecular consequence: missense variant.
Genome position (GRCh38, 1-based): chr11:119,278,211, T>C. VCF-style: chr11-119278211-T-C. GRCh37 (hg19) VCF-style: chr11-119148921-T-C.
Other names: short protein forms C381R.
Identifiers: ClinVar variation 405363 (VCV000405363.12), dbSNP rs757874631, ClinGen allele CA6318439.